The following is an entry in ClinVar:

NM_194248.3(OTOF):c.5654G>A (p.Arg1885His)

Gene: OTOF (otoferlin; minus strand). Cytogenetic location: 2p23.3.
Variant type: single nucleotide variant.
Coding change: c.5654G>A on transcript NM_194248.3 (MANE Select); coding-DNA position 5654, G replaced by A.
Protein change: p.Arg1885His; replaces arginine 1885 with histidine.
Molecular consequence: missense variant.
Genome position (GRCh38, 1-based): chr2:26,460,910, C>T on the plus strand (G>A on the coding strand, the complement: OTOF is on the minus strand). VCF-style: chr2-26460910-C-T. GRCh37 (hg19) VCF-style: chr2-26683778-C-T.
Other names: c.5654G>A, p.Arg1885His (NM_001287489.2); c.3353G>A, p.Arg1118His (NM_004802.4, NM_194323.3); c.3584G>A, p.Arg1195His (NM_194322.3); short protein forms R1118H, R1195H, R1885H.
Identifiers: ClinVar variation 1806732 (VCV001806732.1), dbSNP rs1470759825, ClinGen allele CA346129957.

ClinVar aggregate classification (germline): Uncertain significance (1 of 4 stars; one submission).

Allele frequency attached by ClinVar (database versions not stated): TOPMed below 0.00001; gnomAD exomes 0.00001.

Submission:

GeneDx
Classification: Uncertain significance. Last evaluated: 2022-06-14. Review status: criteria provided, single submitter. Criteria: GeneDx Variant Classification Process June 2021. Collection method: clinical testing. Allele origin: germline. Affected: yes.
Comment: Not observed at significant frequency in large population cohorts (gnomAD); In silico analysis supports that this missense variant has a deleterious effect on protein structure/function; Has not been previously published as pathogenic or benign to our knowledge